The following is an entry in ClinVar:

ClinVar aggregate classification (germline): Likely benign. Review status: criteria provided, multiple submitters, no conflicts (2 of 4 stars). 5 submissions from 5 submitters: Likely benign (5). Last evaluated 2026-04-06.

Allele frequency attached by ClinVar (database versions not stated): ESP Exome Variant Server 0.00062; 1000 Genomes Project 30x 0.00125; 1000 Genomes Project 0.00160.

Submissions (5):

Women's Health and Genetics/Laboratory Corporation of America, LabCorp
Classification: Likely benign. Last evaluated: 2026-04-06. Review status: criteria provided, single submitter. Criteria: LabCorp Variant Classification Summary - May 2015. Collection method: clinical testing. Allele origin: germline.

Labcorp Genetics (formerly Invitae), Labcorp
Classification: Likely benign. Last evaluated: 2026-01-19. Review status: criteria provided, single submitter. Criteria: Invitae Variant Classification Sherloc (09022015). Collection method: clinical testing. Allele origin: germline.

CeGaT Center for Human Genetics Tuebingen
Classification: Likely benign. Last evaluated: 2025-07-01. Review status: criteria provided, single submitter. Criteria: CeGaT Center For Human Genetics Tuebingen Variant Classification Criteria Version 2. Collection method: clinical testing. Allele origin: germline. Affected: yes. Observed: 1 variant allele.
Comment: C1QC: BP4, BP7

Blueprint Genetics
Classification: Likely benign. Last evaluated: 2024-11-25. Review status: criteria provided, single submitter. Criteria: ACMG Guidelines, 2015. Collection method: clinical testing. Allele origin: germline.

Breakthrough Genomics
Classification: Likely benign. Review status: criteria provided, single submitter. Criteria: ACMG Guidelines, 2015. Collection method: not provided. Allele origin: germline. Inheritance: Autosomal recessive inheritance. Affected: yes.

NM_172369.5(C1QC):c.372C>T (p.Val124=)

Gene: C1QC (complement C1q C chain; plus strand). Cytogenetic location: 1p36.12.
Variant type: single nucleotide variant.
Coding change: c.372C>T on transcript NM_172369.5 (MANE Select); coding-DNA position 372, C replaced by T.
Protein change: p.Val124=; no amino-acid change (valine 124 retained).
Molecular consequence: synonymous variant.
Genome position (GRCh38, 1-based): chr1:22,647,417, C>T. VCF-style: chr1-22647417-C-T. GRCh37 (hg19) VCF-style: chr1-22973910-C-T.
Other names: c.372C>T, p.Val124= (NM_001114101.3, NM_001347619.2); c.105C>T, p.Val35= (NM_001347620.2).
Identifiers: ClinVar variation 1154940 (VCV001154940.20), dbSNP rs151045868, ClinGen allele CA677959.